The following is an entry in ClinVar:

ClinVar aggregate classification (germline): Uncertain significance (1 of 4 stars; one submission).

gnomAD v4.1: 2 of 1,609,670 alleles (0.00012%); highest among the groups gnomAD compares: Non-Finnish European, 0.00017%; no homozygotes.

Submission:

Labcorp Genetics (formerly Invitae), Labcorp
Classification: Uncertain significance. Last evaluated: 2025-04-01. Review status: criteria provided, single submitter. Criteria: Invitae Variant Classification Sherloc (09022015). Collection method: clinical testing. Allele origin: germline.
Comment: This sequence change replaces isoleucine, which is neutral and non-polar, with leucine, which is neutral and non-polar, at codon 541 of the RASA2 protein (p.Ile541Leu). This variant is present in population databases (rs757985179, gnomAD 0.0009%). This variant has not been reported in the literature in individuals affected with RASA2-related conditions. Invitae Evidence Modeling of protein sequence and biophysical properties (such as structural, functional, and spatial information, amino acid conservation, physicochemical variation, residue mobility, and thermodynamic stability) indicates that this missense variant is not expected to disrupt RASA2 protein function with a negative predictive value of 80%. In summary, the available evidence is currently insufficient to determine the role of this variant in disease. Therefore, it has been classified as a Variant of Uncertain Significance.

NM_006506.5(RASA2):c.1621A>C (p.Ile541Leu)

Gene: RASA2 (RAS p21 protein activator 2; plus strand). Cytogenetic location: 3q23.
Variant type: single nucleotide variant.
Coding change: c.1621A>C on transcript NM_006506.5 (MANE Select); coding-DNA position 1621, A replaced by C.
Protein change: p.Ile541Leu; replaces isoleucine 541 with leucine.
Molecular consequence: missense variant.
Genome position (GRCh38, 1-based): chr3:141,580,398, A>C. VCF-style: chr3-141580398-A-C. GRCh37 (hg19) VCF-style: chr3-141299240-A-C.
Other names: c.1621A>C, p.Ile541Leu (NM_001303245.3, NM_001303246.3); short protein forms I541L.
Identifiers: ClinVar variation 4697977 (VCV004697977.1).